The following is an entry in ClinVar:

NM_014491.4(FOXP2):c.502C>T (p.Gln168Ter)

Gene: FOXP2 (forkhead box P2; plus strand). Cytogenetic location: 7q31.1.
Variant type: single nucleotide variant.
Coding change: c.502C>T on transcript NM_014491.4 (MANE Select); coding-DNA position 502, C replaced by T.
Protein change: p.Gln168Ter; replaces glutamine 168 with a stop codon.
Molecular consequence: nonsense. On other transcripts: non-coding transcript variant (2).
Genome position (GRCh38, 1-based): chr7:114,629,910, C>T. VCF-style: chr7-114629910-C-T. GRCh37 (hg19) VCF-style: chr7-114269965-C-T.
Other names: c.502C>T, p.Gln168Ter (NM_001172766.3, NM_148899.3); c.577C>T, p.Gln193Ter (NM_001172767.2, NM_148898.4); c.553C>T, p.Gln185Ter (NM_148900.4); c.502C>T (NM_014491.3); short protein forms Q168*, Q185*, Q193*.
Identifiers: ClinVar variation 596916 (VCV000596916.6), dbSNP rs1563045683, ClinGen allele CA368962185.
Genomic context (GRCh38, chr7:114,629,910, plus strand): 5'-CTTCAGCTTTTGCAGCAGCAGCAGCAACAGCAGCAGCAGCAACAACAGCAGCAACAACAG[C>T]AGCAGCAACAACAACAACAACAGCAGCAACAACAGCAGCAGCAGCAGCAACAGCAGCAGC-3'

ClinVar aggregate classification (germline): Pathogenic/Likely pathogenic. Review status: criteria provided, multiple submitters, no conflicts (2 of 4 stars). 2 submissions from 2 submitters: Pathogenic (1); Likely pathogenic (1). Last evaluated 2023-11-28.

Conditions:
Inborn genetic diseases. Identifiers: MedGen C0950123, MeSH D030342.

Submissions (2):

Ambry Genetics
Classification: Pathogenic for Inborn genetic diseases. Last evaluated: 2023-11-28. Review status: criteria provided, single submitter. Criteria: Ambry Variant Classification Scheme 2023. Collection method: clinical testing. Allele origin: germline.
Comment: The c.502C>T (p.Q168*) alteration, located in coding exon 4 of the FOXP2 gene, consists of a C to T substitution at nucleotide position 502. This changes the amino acid from a glutamine (Q) to a stop codon at amino acid position 168. This alteration is expected to result in loss of function by premature protein truncation or nonsense-mediated mRNA decay. This variant was not reported in population-based cohorts in the Genome Aggregation Database (gnomAD). Based on the available evidence, this alteration is classified as pathogenic.

Eurofins Ntd Llc (ga)
Classification: Likely pathogenic. Last evaluated: 2018-04-18. Review status: criteria provided, single submitter. Criteria: EGL ClinVar v180209 classification definitions. Collection method: clinical testing. Allele origin: germline. Observed: 2 variant alleles, 2 heterozygotes.